The following is an entry in ClinVar:

NM_022841.7(RFX7):c.3239A>T (p.His1080Leu)

Gene: RFX7 (regulatory factor X7; minus strand). Cytogenetic location: 15q21.3.
Variant type: single nucleotide variant.
Coding change: c.3239A>T on transcript NM_022841.7 (MANE Select); coding-DNA position 3239, A replaced by T.
Protein change: p.His1080Leu; replaces histidine 1080 with leucine.
Molecular consequence: missense variant.
Genome position (GRCh38, 1-based): chr15:56,094,489, T>A on the plus strand (A>T on the coding strand, the complement: RFX7 is on the minus strand). VCF-style: chr15-56094489-T-A. GRCh37 (hg19) VCF-style: chr15-56386687-T-A.
Other names: c.2948A>T, p.His983Leu (NM_001368073.2, NM_001368074.1, NM_001370554.1); c.3239A>T, p.His1080Leu (NM_001370561.1); short protein forms H1080L, H983L.
Identifiers: ClinVar variation 4076650 (VCV004076650.1).

ClinVar aggregate classification (germline): Uncertain significance (1 of 4 stars; one submission).

Submission:

GeneDx
Classification: Uncertain significance. Last evaluated: 2025-02-24. Review status: criteria provided, single submitter. Criteria: GeneDx Variant Classification Process June 2021. Collection method: clinical testing. Allele origin: germline. Affected: yes.
Comment: Not observed at significant frequency in large population cohorts (gnomAD); In silico analysis indicates that this missense variant does not alter protein structure/function; Has not been previously published as pathogenic or benign to our knowledge